The following is an entry in ClinVar:

NM_014915.3(ANKRD26):c.-105T>C

Gene: ANKRD26 (ankyrin repeat domain 26; minus strand). Cytogenetic location: 10p12.1.
Variant type: single nucleotide variant.
Coding change: c.-105T>C on transcript NM_014915.3 (MANE Select); 105 bases upstream of the start codon, T replaced by C.
Molecular consequence: 5 prime UTR variant.
Genome position (GRCh38, 1-based): chr10:27,100,431, A>G on the plus strand (T>C on the coding strand, the complement: ANKRD26 is on the minus strand). VCF-style: chr10-27100431-A-G. GRCh37 (hg19) VCF-style: chr10-27389360-A-G.
Other names: c.-105T>C (NM_001256053.2).
Identifiers: ClinVar variation 4707714 (VCV004707714.1).

ClinVar aggregate classification (germline): Uncertain significance (1 of 4 stars; one submission).

gnomAD v4.1: 4 of 1,515,152 alleles (0.00026%); highest among the groups gnomAD compares: Admixed American, 0.0043%; no homozygotes.

Submission:

Labcorp Genetics (formerly Invitae), Labcorp
Classification: Uncertain significance. Last evaluated: 2025-09-09. Review status: criteria provided, single submitter. Criteria: Invitae Variant Classification Sherloc (09022015). Collection method: clinical testing. Allele origin: germline.
Comment: This variant occurs in a non-coding region of the ANKRD26 gene. It does not change the encoded amino acid sequence of the ANKRD26 protein. This variant is not present in population databases (gnomAD no frequency). This variant has not been reported in the literature in individuals affected with ANKRD26-related conditions. In summary, the available evidence is currently insufficient to determine the role of this variant in disease. Therefore, it has been classified as a Variant of Uncertain Significance.